The following is an entry in ClinVar:

NM_000390.4(CHM):c.47C>T (p.Thr16Met)

Gene: CHM (CHM Rab escort protein; minus strand). Cytogenetic location: Xq21.2.
Variant type: single nucleotide variant.
Coding change: c.47C>T on transcript NM_000390.4 (MANE Select); coding-DNA position 47, C replaced by T.
Protein change: p.Thr16Met; replaces threonine 16 with methionine.
Molecular consequence: missense variant.
Genome position (GRCh38, 1-based): chrX:86,047,486, G>A on the plus strand (C>T on the coding strand, the complement: CHM is on the minus strand). VCF-style: chrX-86047486-G-A. GRCh37 (hg19) VCF-style: chrX-85302490-G-A.
Other names: c.47C>T, p.Thr16Met (NM_001145414.4); short protein forms T16M.
Identifiers: ClinVar variation 1361087 (VCV001361087.9), dbSNP rs1021746178, ClinGen allele CA332667705.
Genomic context (GRCh38, chrX:86,047,486, plus strand): 5'-AAACAGAAACAAGACAGTCTTCCTAAACTTTGTCCAGGAAGCACCAGGCTACACATACCC[G>A]TCCCTATTACGATCACATCAAACTCCGAAGGGAGAGTATCCGCCATCTTGACGGGAAACG-3'
Protein context (NP_000381.1, residues 6-26): PSEFDVIVIG[Thr16Met]GLPESIIAAA

ClinVar aggregate classification (germline): Uncertain significance (1 of 4 stars; one submission).

gnomAD v4.1: 1 of 1,207,279 alleles (0.000083%); no homozygotes.

Submissions (2):

Labcorp Genetics (formerly Invitae), Labcorp
Classification: Uncertain significance. Last evaluated: 2021-04-21. Review status: criteria provided, single submitter. Criteria: Invitae Variant Classification Sherloc (09022015). Collection method: clinical testing. Allele origin: germline.
Comment: This sequence change replaces threonine with methionine at codon 16 of the CHM protein (p.Thr16Met). The threonine residue is highly conserved and there is a moderate physicochemical difference between threonine and methionine. This variant is not present in population databases (ExAC no frequency). This variant has not been reported in the literature in individuals with CHM-related conditions. Algorithms developed to predict the effect of missense changes on protein structure and function are either unavailable or do not agree on the potential impact of this missense change (SIFT: "Deleterious"; PolyPhen-2: "Possibly Damaging"; Align-GVGD: "Class C0"). In summary, the available evidence is currently insufficient to determine the role of this variant in disease. Therefore, it has been classified as a Variant of Uncertain Significance.

Dr. Peter K. Rogan Lab, Western University
No classification provided (evidence only). Condition: Thyroid cancer, nonmedullary, 1. Review status: no classification provided. Collection method: in vitro. Allele origin: not applicable. Functional consequence: retained intron. Not counted in ClinVar's aggregate classification.